The following is an entry in ClinVar:

NM_006390.4(IPO8):c.1339-1G>T

Gene: IPO8 (importin 8; minus strand). Cytogenetic location: 12p11.21.
Variant type: single nucleotide variant.
Coding change: c.1339-1G>T on transcript NM_006390.4 (MANE Select); the canonical splice acceptor site of the intron before coding-DNA position 1339, G replaced by T.
Molecular consequence: splice acceptor variant.
Genome position (GRCh38, 1-based): chr12:30,665,310, C>A on the plus strand (G>T on the coding strand, the complement: IPO8 is on the minus strand). VCF-style: chr12-30665310-C-A. GRCh37 (hg19) VCF-style: chr12-30818244-C-A.
Other names: c.724-1G>T (NM_001190995.2).
Identifiers: ClinVar variation 4076876 (VCV004076876.1).

ClinVar aggregate classification (germline): Uncertain significance (1 of 4 stars; one submission).

gnomAD v4.1: 2 of 1,524,328 alleles (0.00013%); highest among the groups gnomAD compares: Admixed American, 0.0036%; no homozygotes.

Submission:

GeneDx
Classification: Uncertain significance. Last evaluated: 2025-02-23. Review status: criteria provided, single submitter. Criteria: GeneDx Variant Classification Process June 2021. Collection method: clinical testing. Allele origin: germline. Affected: yes.
Comment: Canonical splice site variant predicted to result in an in-frame loss of the adjacent exon in a gene for which loss of function is a known mechanism of disease; Has not been previously published as pathogenic or benign to our knowledge